The following is an entry in ClinVar:

ClinVar aggregate classification (germline): Likely benign (1 of 4 stars; one submission).

Conditions:
GUCY2D-related disorder. Also called: GUCY2D-related condition.

Submission:

PreventionGenetics, part of Exact Sciences
Classification: Likely benign for GUCY2D-related condition. Last evaluated: 2025-09-24. Review status: criteria provided, single submitter. Criteria: ACMG Guidelines, 2015. Collection method: clinical testing. Allele origin: germline.
Comment: This variant is classified as likely benign based on ACMG/AMP sequence variant interpretation guidelines (Richards et al. 2015 PMID: 25741868, with internal and published modifications).

NM_000180.4(GUCY2D):c.1378+152T>C

Gene: GUCY2D (guanylate cyclase 2D, retinal; plus strand). Cytogenetic location: 17p13.1.
Variant type: single nucleotide variant.
Coding change: c.1378+152T>C on transcript NM_000180.4 (MANE Select); 152 bases into the intron after coding-DNA position 1378, T replaced by C.
Molecular consequence: intron variant.
Genome position (GRCh38, 1-based): chr17:8,006,866, T>C. VCF-style: chr17-8006866-T-C. GRCh37 (hg19) VCF-style: chr17-7910184-T-C.
Identifiers: ClinVar variation 4998952 (VCV004998952.1).
Genomic context (GRCh38, chr17:8,006,866, plus strand): 5'-TCTTCGATGCCCTTCTAGGCCCTCTCCCAGCCTCTGGCTTGCACAGGACCCCTCTCTTGC[T>C]GAGCTCCAAAGCCCTCTTGGAAATTTTCTATCATTCCCAGCCTCTCCCCTTTGAGGAACT-3'